The following is an entry in ClinVar:

NM_001039141.3(TRIOBP):c.2724G>A (p.Ser908=)

Gene: TRIOBP (TRIO and F-actin binding protein; plus strand). Cytogenetic location: 22q13.1.
Variant type: single nucleotide variant.
Coding change: c.2724G>A on transcript NM_001039141.3 (MANE Select); coding-DNA position 2724, G replaced by A.
Protein change: p.Ser908=; no amino-acid change (serine 908 retained).
Molecular consequence: synonymous variant.
Genome position (GRCh38, 1-based): chr22:37,725,280, G>A. VCF-style: chr22-37725280-G-A. GRCh37 (hg19) VCF-style: chr22-38121287-G-A.
Identifiers: ClinVar variation 1201799 (VCV001201799.38), dbSNP rs12160218, ClinGen allele CA10223952.

ClinVar aggregate classification (germline): Benign/Likely benign. Review status: criteria provided, multiple submitters, no conflicts (2 of 4 stars). 6 submissions from 6 submitters: Benign (1); Likely benign (4). 1 of the submissions does not count toward it. Last evaluated 2026-01-19.

Conditions:
TRIOBP-related disorder. Also called: TRIOBP-related condition.

Allele frequency attached by ClinVar (database versions not stated): gnomAD exomes 0.00029 and 0.00072; ExAC 0.00091; gnomAD 0.00292 and 0.00303; ESP Exome Variant Server 0.00299; TOPMed 0.00315; 1000 Genomes Project 30x 0.00453; 1000 Genomes Project 0.00479.
gnomAD v4.1: 878 of 1,613,810 alleles (0.054%); highest among the groups gnomAD compares: African/African-American, 0.99%; 5 homozygotes.

Submissions (6):

Labcorp Genetics (formerly Invitae), Labcorp
Classification: Benign. Last evaluated: 2026-01-19. Review status: criteria provided, single submitter. Criteria: Invitae Variant Classification Sherloc (09022015). Collection method: clinical testing. Allele origin: germline.

CeGaT Center for Human Genetics Tuebingen
Classification: Likely benign. Last evaluated: 2025-11-01. Review status: criteria provided, single submitter. Criteria: CeGaT Center For Human Genetics Tuebingen Variant Classification Criteria Version 2. Collection method: clinical testing. Allele origin: germline. Affected: yes. Observed: 2 variant alleles.
Comment: TRIOBP: BS1

Blueprint Genetics
Classification: Likely benign. Last evaluated: 2024-10-22. Review status: criteria provided, single submitter. Criteria: ACMG Guidelines, 2015. Collection method: clinical testing. Allele origin: germline.

GeneDx
Classification: Likely benign. Last evaluated: 2020-06-08. Review status: criteria provided, single submitter. Criteria: GeneDx Variant Classification Process June 2021. Collection method: clinical testing. Allele origin: germline. Affected: yes.

Breakthrough Genomics
Classification: Likely benign. Review status: criteria provided, single submitter. Criteria: ACMG Guidelines, 2015. Collection method: not provided. Allele origin: germline. Inheritance: Autosomal recessive inheritance. Affected: yes.

PreventionGenetics, part of Exact Sciences
Classification: Benign for TRIOBP-related condition. Last evaluated: 2021-02-03. Review status: no assertion criteria provided. Collection method: clinical testing. Allele origin: germline. Not counted in ClinVar's aggregate classification.
Comment: This variant is classified as benign based on ACMG/AMP sequence variant interpretation guidelines (Richards et al. 2015 PMID: 25741868, with internal and published modifications).